The following is an entry in ClinVar:

ClinVar aggregate classification (germline): Pathogenic (1 of 4 stars; one submission).

Conditions:
Baller-Gerold syndrome (BGS). Also called: CRANIOSYNOSTOSIS WITH RADIAL DEFECTS. Identifiers: Orphanet 1225, MedGen C0265308, MONDO:0009039, OMIM 218600.

Submission:

Labcorp Genetics (formerly Invitae), Labcorp
Classification: Pathogenic for Baller-Gerold syndrome. Last evaluated: 2023-08-09. Review status: criteria provided, single submitter. Criteria: Invitae Variant Classification Sherloc (09022015). Collection method: clinical testing. Allele origin: germline.
Comment: Algorithms developed to predict the effect of sequence changes on RNA splicing suggest that this variant may disrupt the consensus splice site. For these reasons, this variant has been classified as Pathogenic. ClinVar contains an entry for this variant (Variation ID: 661531). This variant has not been reported in the literature in individuals affected with RECQL4-related conditions. This variant is not present in population databases (gnomAD no frequency). This sequence change creates a premature translational stop signal (p.Gly231Argfs*58) in the RECQL4 gene. It is expected to result in an absent or disrupted protein product. Loss-of-function variants in RECQL4 are known to be pathogenic (PMID: 12734318, 12952869).

Literature cited by the submitters: PubMed 12734318; PubMed 12952869.

NM_004260.4(RECQL4):c.690_709del (p.Gly231fs)

Gene: RECQL4 (RecQ like helicase 4; minus strand). Cytogenetic location: 8q24.3.
Variant type: Deletion.
Coding change: c.690_709del on transcript NM_004260.4 (MANE Select); coding-DNA positions 690 to 709, 20 bases deleted (TGGTGCTGGCTCCCAGGGCC).
Protein change: p.Gly231fs; shifts the reading frame from glycine 231.
Molecular consequence: frameshift variant.
Genome position (GRCh38, 1-based): chr8:144,516,410-144,516,429, GGCCCTGGGAGCCAGCACCA deleted on the plus strand (TGGTGCTGGCTCCCAGGGCC on the coding strand, the reverse complement: RECQL4 is on the minus strand); deleting any 20 consecutive bases within chr8:144,516,410-144,516,431 gives the same sequence; the c. name uses the placement nearest the transcript's 3' end. VCF-style (leftmost placement, unchanged base first): chr8-144516409-GGGCCCTGGGAGCCAGCACCA-G. GRCh37 (hg19) VCF-style: chr8-145741793-GGGCCCTGGGAGCCAGCACCA-G.
Other names: c.690_709delTGGTGCTGGCTCCCAGGGCC (NM_004260.3); short protein forms G231fs.
Identifiers: ClinVar variation 661531 (VCV000661531.5), dbSNP rs1586824430, ClinGen allele CA915947402.